The following is an entry in ClinVar:

ClinVar aggregate classification (germline): Uncertain significance (1 of 4 stars; one submission).

Conditions:
Saldino-Mainzer syndrome (SRTD9). Also called: Renal dysplasia, retinal pigmentary dystrophy, cerebellar ataxia and skeletal dysplasia; CONORENAL SYNDROME; SHORT-RIB THORACIC DYSPLASIA 9 WITHOUT POLYDACTYLY; short-rib thoracic dysplasia 9 with or without polydactyly. Identifiers: Orphanet 140969, MedGen C1849437, MONDO:0009964, OMIM 266920.

Allele frequency attached by ClinVar (database versions not stated): gnomAD exomes below 0.00001; ExAC 0.00001; gnomAD 0.00001; TOPMed 0.00002.
gnomAD v4.1: 35 of 1,614,018 alleles (0.0022%); highest among the groups gnomAD compares: South Asian, 0.0055%; no homozygotes.

Submission:

Labcorp Genetics (formerly Invitae), Labcorp
Classification: Uncertain significance for Saldino-Mainzer syndrome. Last evaluated: 2024-05-08. Review status: criteria provided, single submitter. Criteria: Invitae Variant Classification Sherloc (09022015). Collection method: clinical testing. Allele origin: germline.
Comment: This sequence change replaces arginine, which is basic and polar, with histidine, which is basic and polar, at codon 1374 of the IFT140 protein (p.Arg1374His). This variant is present in population databases (rs778892732, gnomAD 0.0009%). This variant has not been reported in the literature in individuals affected with IFT140-related conditions. ClinVar contains an entry for this variant (Variation ID: 1432140). Advanced modeling of protein sequence and biophysical properties (such as structural, functional, and spatial information, amino acid conservation, physicochemical variation, residue mobility, and thermodynamic stability) has been performed at Invitae for this missense variant, however the output from this modeling did not meet the statistical confidence thresholds required to predict the impact of this variant on IFT140 protein function. In summary, the available evidence is currently insufficient to determine the role of this variant in disease. Therefore, it has been classified as a Variant of Uncertain Significance.

NM_014714.4(IFT140):c.4121G>A (p.Arg1374His)

Gene: IFT140 (intraflagellar transport 140; minus strand). Cytogenetic location: 16p13.3.
Variant type: single nucleotide variant.
Coding change: c.4121G>A on transcript NM_014714.4 (MANE Select); coding-DNA position 4121, G replaced by A.
Protein change: p.Arg1374His; replaces arginine 1374 with histidine.
Molecular consequence: missense variant.
Genome position (GRCh38, 1-based): chr16:1,518,277, C>T on the plus strand (G>A on the coding strand, the complement: IFT140 is on the minus strand). VCF-style: chr16-1518277-C-T. GRCh37 (hg19) VCF-style: chr16-1568278-C-T.
Other names: short protein forms R1374H.
Identifiers: ClinVar variation 1432140 (VCV001432140.9), dbSNP rs778892732, ClinGen allele CA7812900.
Genomic context (GRCh38, chr16:1,518,277, plus strand): 5'-GTCTGGTATTCCTCCTTCCGCACGTAGTGCTCCACCAGGAAGCCATAGACGTCCCCGATG[C>T]GGATGGTGCTGTCCAGGTCTGGTTCCTCCAGGAGCAGCTCACACTGCTTGATGGACTCCT-3'
Protein context (NP_055529.2, residues 1364-1384): LEEPDLDSTI[Arg1374His]IGDVYGFLVE